The following is an entry in ClinVar:

ClinVar aggregate classification (germline): Conflicting classifications of pathogenicity. Review status: criteria provided, conflicting classifications (1 of 4 stars). 4 submissions from 4 submitters: Uncertain significance (2); Likely benign (2). Last evaluated 2023-07-03.

Conditions:
Hereditary breast ovarian cancer syndrome. Also called: Breast and ovarian cancer; Hereditary breast and/or ovarian cancer syndrome; BRCA1- and BRCA2-Associated Hereditary Breast and Ovarian Cancer; Hereditary breast and ovarian cancer syndrome; Hereditary breast and ovarian cancer syndrome (HBOC); Hereditary breast and ovarian cancer. Identifiers: Orphanet 145, MedGen C0677776, MeSH D061325, MONDO:0003582. Disease mechanism: loss of function.
Hereditary cancer-predisposing syndrome. Also called: Tumor predisposition; Hereditary Cancer Syndrome; Hereditary neoplastic syndrome; Neoplastic Syndromes, Hereditary. Identifiers: Orphanet 140162, MedGen C0027672, MeSH D009386, MONDO:0015356.

Submissions (5):

Ambry Genetics
Classification: Likely benign for Hereditary cancer-predisposing syndrome. Last evaluated: 2023-07-03. Review status: criteria provided, single submitter. Criteria: Ambry Variant Classification Scheme 2023. Collection method: clinical testing. Allele origin: germline.

Labcorp Genetics (formerly Invitae), Labcorp
Classification: Likely benign for Hereditary breast ovarian cancer syndrome. Last evaluated: 2022-12-24. Review status: criteria provided, single submitter. Criteria: Invitae Variant Classification Sherloc (09022015). Collection method: clinical testing. Allele origin: germline.

Women's Health and Genetics/Laboratory Corporation of America, LabCorp
Classification: Uncertain significance. Last evaluated: 2022-02-03. Review status: criteria provided, single submitter. Criteria: LabCorp Variant Classification Summary - May 2015. Collection method: clinical testing. Allele origin: germline.
Comment: Variant summary: BRCA1 c.-1A>G is located in the untranslated mRNA region upstream of the initiation codon. The variant was absent in 250886 control chromosomes (gnomAD). The available data on variant occurrences in the general population are insufficient to allow any conclusion about variant significance. To our knowledge, no occurrence of c.-1A>G in individuals affected with Hereditary Breast And Ovarian Cancer Syndrome has been reported. At least one publication reports experimental evidence evaluating an impact on protein function. Using a BRCA1 dependent cell survival assay, no damaging effects of the variant was found (Findlay_2018). Two ClinVar submitters have assessed the variant since 2014: one laboratory classified the variant as likely benign, and one laboratory classified the variant as of uncertain significance. Based on the evidence outlined above, the variant was classified as VUS-possibly benign.

Color Diagnostics, LLC DBA Color Health
Classification: Uncertain significance for Hereditary cancer-predisposing syndrome. Last evaluated: 2019-06-07. Review status: criteria provided, single submitter. Criteria: ACMG Guidelines, 2015. Collection method: clinical testing. Allele origin: germline.

Brotman Baty Institute, University of Washington
No classification provided (evidence only). Condition: Breast-ovarian cancer, familial 1. Review status: no classification provided. Collection method: in vitro. Allele origin: not applicable. Functional consequence: functionally_normal. Not counted in ClinVar's aggregate classification.
ClinVar note: "not provided" was previously submitted as the classification for the variant. However, the classification appeared to be based only on an observation of functional data so it was converted to no classification on 2025-07-30.

Literature cited by the submitters: PubMed 30209399 (cited by Ambry Genetics and Women's Health and Genetics/Laboratory Corporation of America, LabCorp).

NM_007294.4(BRCA1):c.-1A>G

Gene: BRCA1 (BRCA1 DNA repair associated; minus strand). Cytogenetic location: 17q21.31.
Variant type: single nucleotide variant.
Coding change: c.-1A>G on transcript NM_007294.4 (MANE Select); 1 bases upstream of the start codon, A replaced by G.
Molecular consequence: 5 prime UTR variant. On other transcripts: intron variant (36).
Genome position (GRCh38, 1-based): chr17:43,124,097, T>C on the plus strand (A>G on the coding strand, the complement: BRCA1 is on the minus strand). VCF-style: chr17-43124097-T-C. GRCh37 (hg19) VCF-style: chr17-41276114-T-C.
Other names: c.-189A>G (NM_001407571.1, NM_001408507.1, NM_001408508.1 and 46 more transcripts); c.-1A>G (NM_001407581.1, NM_001407582.1, NM_001407583.1 and 193 more transcripts); c.-258A>G (NM_001407731.1, NM_001407733.1, NM_001407749.1 and 11 more transcripts); c.-88A>G (NM_001407732.1, NM_001407736.1, NM_001407738.1 and 23 more transcripts); c.-261A>G (NM_001407734.1, NM_001407739.1, NM_001407740.1 and 22 more transcripts); c.-265A>G (NM_001407741.1, NM_001407934.1, NM_001408497.1); c.-207A>G (NM_001407751.1, NM_001407726.1); c.-138A>G (NM_001407841.1); and 23 more.
Identifiers: ClinVar variation 487486 (VCV000487486.19), dbSNP rs587781565, ClinGen allele CA658656718.
Genomic context (GRCh38, chr17:43,124,097, plus strand): 5'-TTTCTGCATAGCATTAATGACATTTTGTACTTCTTCAACGCGAAGAGCAGATAAATCCAT[T>C]TCTTTCTGTTCCAATGAACTTTAACACATTAGAAAAACATATATATATATCTTTTTAAAA-3'